The following is an entry in ClinVar:

NM_002206.3(ITGA7):c.2720A>G (p.Asp907Gly)

Gene: ITGA7 (integrin subunit alpha 7; minus strand). Cytogenetic location: 12q13.2.
Variant type: single nucleotide variant.
Coding change: c.2720A>G on transcript NM_002206.3 (MANE Select); coding-DNA position 2720, A replaced by G.
Protein change: p.Asp907Gly; replaces aspartic acid 907 with glycine.
Molecular consequence: missense variant.
Genome position (GRCh38, 1-based): chr12:55,692,968, T>C on the plus strand (A>G on the coding strand, the complement: ITGA7 is on the minus strand). VCF-style: chr12-55692968-T-C. GRCh37 (hg19) VCF-style: chr12-56086752-T-C.
Other names: c.2732A>G, p.Asp911Gly (NM_001144996.2); c.2441A>G, p.Asp814Gly (NM_001144997.2); c.2393A>G, p.Asp798Gly (NM_001367993.1); c.1376A>G, p.Asp459Gly (NM_001367994.1); c.2702A>G, p.Asp901Gly (NM_001374465.1); c.2852A>G, p.Asp951Gly (NM_001410977.1); c.2714A>G, p.Asp905Gly (NM_001414029.1); c.2645A>G, p.Asp882Gly (NM_001414030.1); and 5 more; short protein forms D907G, D814G, D459G, D798G, D911G, D901G, D951G, D832G.
Identifiers: ClinVar variation 579065 (VCV000579065.8), dbSNP rs1365101018, ClinGen allele CA385181436.

ClinVar aggregate classification (germline): Uncertain significance (1 of 4 stars; one submission).

Conditions:
Congenital muscular dystrophy due to integrin alpha-7 deficiency. Also called: MYOPATHY, CONGENITAL, DUE TO INTEGRIN ALPHA-7 DEFICIENCY; Congenital muscular dystrophy with integrin alpha-7 deficiency; Muscular dystrophy, congenital, due to ITGA7 deficiency. Identifiers: Orphanet 34520, MedGen C2750786, MONDO:0013177, OMIM 613204.

Allele frequency attached by ClinVar (database versions not stated): TOPMed below 0.00001.

Submission:

Labcorp Genetics (formerly Invitae), Labcorp
Classification: Uncertain significance for Congenital muscular dystrophy due to integrin alpha-7 deficiency. Last evaluated: 2022-02-09. Review status: criteria provided, single submitter. Criteria: Invitae Variant Classification Sherloc (09022015). Collection method: clinical testing. Allele origin: germline.
Comment: This sequence change replaces aspartic acid, which is acidic and polar, with glycine, which is neutral and non-polar, at codon 907 of the ITGA7 protein (p.Asp907Gly). This variant is not present in population databases (gnomAD no frequency). This variant has not been reported in the literature in individuals affected with ITGA7-related conditions. ClinVar contains an entry for this variant (Variation ID: 579065). Algorithms developed to predict the effect of missense changes on protein structure and function output the following: SIFT: "Tolerated"; PolyPhen-2: "Benign"; Align-GVGD: "Class C0". The glycine amino acid residue is found in multiple mammalian species, which suggests that this missense change does not adversely affect protein function. In summary, the available evidence is currently insufficient to determine the role of this variant in disease. Therefore, it has been classified as a Variant of Uncertain Significance.